The following is an entry in ClinVar:

ClinVar aggregate classification (germline): Benign/Likely benign. Review status: criteria provided, multiple submitters, no conflicts (2 of 4 stars). 5 submissions from 5 submitters: Benign (1); Likely benign (3). 1 of the submissions does not count toward it. Last evaluated 2025-09-24.

Conditions:
Hereditary cancer-predisposing syndrome. Also called: Tumor predisposition; Hereditary neoplastic syndrome; Neoplastic Syndromes, Hereditary; Hereditary Cancer Syndrome. Identifiers: Orphanet 140162, MedGen C0027672, MeSH D009386, MONDO:0015356.
Familial cancer of breast. Also called: hereditary breast carcinoma; Hereditary breast cancer; BREAST CANCER, FAMILIAL. Identifiers: Orphanet 227535, MedGen C0346153, MONDO:0016419, OMIM 114480. Disease mechanism: loss of function.

Allele frequency attached by ClinVar (database versions not stated): gnomAD exomes below 0.00001; ExAC 0.00001; gnomAD 0.00001.
gnomAD v4.1: 2 of 1,613,898 alleles (0.00012%); highest among the groups gnomAD compares: Non-Finnish European, 0.00017%; no homozygotes.

Submissions (5):

Labcorp Genetics (formerly Invitae), Labcorp
Classification: Likely benign for Familial cancer of breast. Last evaluated: 2025-09-24. Review status: criteria provided, single submitter. Criteria: Invitae Variant Classification Sherloc (09022015). Collection method: clinical testing. Allele origin: germline.

Myriad Genetics, Inc.
Classification: Benign for Familial cancer of breast. Last evaluated: 2025-01-13. Review status: criteria provided, single submitter. Criteria: Myriad Autosomal Dominant, Autosomal Recessive and X-Linked Classification Criteria (2023). Collection method: clinical testing. Allele origin: unknown.
Comment: This variant is considered benign. This variant is a silent/synonymous amino acid change and it is not expected to impact splicing.

Ambry Genetics
Classification: Likely benign for Hereditary cancer-predisposing syndrome. Last evaluated: 2019-06-01. Review status: criteria provided, single submitter. Criteria: Ambry Variant Classification Scheme 2023. Collection method: clinical testing. Allele origin: germline.

GeneDx
Classification: Likely benign. Last evaluated: 2019-04-02. Review status: criteria provided, single submitter. Criteria: GeneDx Variant Classification Process June 2021. Collection method: clinical testing. Allele origin: germline. Affected: yes.

Department of Pathology and Laboratory Medicine, Sinai Health System
Classification: Uncertain significance. Review status: no assertion criteria provided. Collection method: clinical testing. Allele origin: unknown. Affected: yes. Study: The Canadian Open Genetics Repository (COGR). Not counted in ClinVar's aggregate classification.
Comment: The PALB2 p.Gln370= variant was not identified in the literature nor was it identified in the LOVD 3.0 database. The variant was identified in dbSNP (ID: rs756002989) as "With Likely benign allele", and ClinVar (classified as likely benign by GeneDx). The variant was identified in control databases in 1 of 246134 chromosomes at a frequency of 0.000004 (Genome Aggregation Database Feb 27, 2017). The variant was observed in the European population in 1 of 111594 chromosomes (freq: 0.000009), while the variant was not observed in the African, Other, Latino, Ashkenazi Jewish, East Asian, European Finnish, and South Asian populations. The p.Gln370= variant is not expected to have clinical significance because it does not result in a change of amino acid and is not located in a known consensus splice site. The variant occurs outside of the splicing consensus sequence and 1 of 4 in silico or computational prediction software programs (SpliceSiteFinder, MaxEntScan, NNSPLICE, GeneSplicer) predict a greater than 10% difference in splicing; this is not very predictive of pathogenicity. In summary, based on the above information the clinical significance of this variant cannot be determined with certainty at this time. This variant is classified as a variant of uncertain significance.

NM_024675.4(PALB2):c.1110G>A (p.Gln370=)

Gene: PALB2 (partner and localizer of BRCA2; minus strand). Cytogenetic location: 16p12.2.
Variant type: single nucleotide variant.
Coding change: c.1110G>A on transcript NM_024675.4 (MANE Select); coding-DNA position 1110, G replaced by A.
Protein change: p.Gln370=; no amino-acid change (glutamine 370 retained).
Molecular consequence: synonymous variant.
Genome position (GRCh38, 1-based): chr16:23,635,436, C>T on the plus strand (G>A on the coding strand, the complement: PALB2 is on the minus strand). VCF-style: chr16-23635436-C-T. GRCh37 (hg19) VCF-style: chr16-23646757-C-T.
Identifiers: ClinVar variation 381360 (VCV000381360.18), dbSNP rs756002989, ClinGen allele CA7963732.